The following is an entry in ClinVar:

NM_005472.5(KCNE3):c.304A>G (p.Met102Val)

Gene: KCNE3 (potassium voltage-gated channel subfamily E regulatory subunit 3; minus strand). Cytogenetic location: 11q13.4.
Variant type: single nucleotide variant.
Coding change: c.304A>G on transcript NM_005472.5 (MANE Select); coding-DNA position 304, A replaced by G.
Protein change: p.Met102Val; replaces methionine 102 with valine.
Molecular consequence: missense variant.
Genome position (GRCh38, 1-based): chr11:74,457,260, T>C on the plus strand (A>G on the coding strand, the complement: KCNE3 is on the minus strand). VCF-style: chr11-74457260-T-C. GRCh37 (hg19) VCF-style: chr11-74168305-T-C.
Other names: short protein forms M102V.
Identifiers: ClinVar variation 1003756 (VCV001003756.18), dbSNP rs556647231, ClinGen allele CA6184819.
Genomic context (GRCh38, chr11:74,457,260, plus strand): 5'-CCAGACGCAATCCCCAGGTGTCTTGGTCTTCCACCGTCCCAGCCCTCTCGTGTTAGATCA[T>C]AGACACACGGTTCTTGATATACACATGATAGGGGTCACTACGCTTGTCCACTTTGCGGGA-3'
Protein context (NP_005463.1, residues 92-103): YHVYIKNRVS[Met102Val]I

ClinVar aggregate classification (germline): Uncertain significance. Review status: criteria provided, multiple submitters, no conflicts (2 of 4 stars). 4 submissions from 4 submitters: Uncertain significance (4). Last evaluated 2025-10-19.

Conditions:
Cardiovascular phenotype. Identifiers: MedGen CN230736.
Brugada syndrome 6 (BRGDA6). Identifiers: Orphanet 130, MedGen C2751089, MONDO:0013145, OMIM 613119.
Long QT syndrome (LQTS). Identifiers: MedGen C0023976, MeSH D008133, MONDO:0002442. Disease mechanism: loss of function. Inheritance: Various modes of inheritance.

Allele frequency attached by ClinVar (database versions not stated): TOPMed 0.00002; ExAC 0.00003; gnomAD 0.00003; gnomAD exomes 0.00003 and 0.00004.

Submissions (4):

Labcorp Genetics (formerly Invitae), Labcorp
Classification: Uncertain significance for Brugada syndrome 6. Last evaluated: 2025-10-19. Review status: criteria provided, single submitter. Criteria: Invitae Variant Classification Sherloc (09022015). Collection method: clinical testing. Allele origin: germline.
Comment: This sequence change replaces methionine, which is neutral and non-polar, with valine, which is neutral and non-polar, at codon 102 of the KCNE3 protein (p.Met102Val). This variant is present in population databases (rs556647231, gnomAD 0.008%). This variant has not been reported in the literature in individuals affected with KCNE3-related conditions. ClinVar contains an entry for this variant (Variation ID: 1003756). An algorithm developed to predict the effect of missense changes on protein structure and function outputs the following: PolyPhen-2: "Benign". The valine amino acid residue is found in multiple mammalian species, which suggests that this missense change does not adversely affect protein function. In summary, the available evidence is currently insufficient to determine the role of this variant in disease. Therefore, it has been classified as a Variant of Uncertain Significance.

Ambry Genetics
Classification: Uncertain significance for Cardiovascular phenotype. Last evaluated: 2024-03-11. Review status: criteria provided, single submitter. Criteria: Ambry Variant Classification Scheme 2023. Collection method: clinical testing. Allele origin: germline.
Comment: The p.M102V variant (also known as c.304A>G), located in coding exon 1 of the KCNE3 gene, results from an A to G substitution at nucleotide position 304. The methionine at codon 102 is replaced by valine, an amino acid with highly similar properties. This amino acid position is not well conserved in available vertebrate species. In addition, this alteration is predicted to be tolerated by in silico analysis. Since supporting evidence is limited at this time, the clinical significance of this alteration remains unclear.

Dept of Medical Biology, Uskudar University
Classification: Uncertain significance for Long QT syndrome. Last evaluated: 2024-01-08. Review status: criteria provided, single submitter. Criteria: Dept of Medical Biology Variant Classification. Collection method: research. Allele origin: germline. Affected: yes. Observed: 1 variant allele.
Comment: Criteria: PM2, BP4

Mayo Clinic Laboratories, Mayo Clinic
Classification: Uncertain significance. Last evaluated: 2020-05-27. Review status: criteria provided, single submitter. Criteria: ACMG Guidelines, 2015. Collection method: clinical testing. Allele origin: germline. Observed: 1 variant allele.